The following is an entry in ClinVar:

ClinVar aggregate classification (germline): Uncertain significance (1 of 4 stars; one submission).

Conditions:
Combined oxidative phosphorylation defect type 17. Also called: Combined oxidative phosphorylation deficiency 17. Identifiers: Orphanet 369913, MedGen C3809526, MONDO:0014190, OMIM 615440.

gnomAD v4.1: 1 of 1,579,196 alleles (0.000063%); no homozygotes.

Submission:

Labcorp Genetics (formerly Invitae), Labcorp
Classification: Uncertain significance for Combined oxidative phosphorylation defect type 17. Last evaluated: 2023-09-06. Review status: criteria provided, single submitter. Criteria: Invitae Variant Classification Sherloc (09022015). Collection method: clinical testing. Allele origin: germline.
Comment: This sequence change replaces proline, which is neutral and non-polar, with serine, which is neutral and polar, at codon 36 of the ELAC2 protein (p.Pro36Ser). This variant is not present in population databases (gnomAD no frequency). This variant has not been reported in the literature in individuals affected with ELAC2-related conditions. Algorithms developed to predict the effect of missense changes on protein structure and function output the following: SIFT: "Not Available"; PolyPhen-2: "Benign"; Align-GVGD: "Not Available". The serine amino acid residue is found in multiple mammalian species, which suggests that this missense change does not adversely affect protein function. In summary, the available evidence is currently insufficient to determine the role of this variant in disease. Therefore, it has been classified as a Variant of Uncertain Significance.

NM_018127.7(ELAC2):c.106C>T (p.Pro36Ser)

Gene: ELAC2 (elaC ribonuclease Z 2; minus strand). Cytogenetic location: 17p12.
Variant type: single nucleotide variant.
Coding change: c.106C>T on transcript NM_018127.7 (MANE Select); coding-DNA position 106, C replaced by T.
Protein change: p.Pro36Ser; replaces proline 36 with serine.
Molecular consequence: missense variant.
Genome position (GRCh38, 1-based): chr17:13,017,842, G>A on the plus strand (C>T on the coding strand, the complement: ELAC2 is on the minus strand). VCF-style: chr17-13017842-G-A. GRCh37 (hg19) VCF-style: chr17-12921159-G-A.
Other names: c.106C>T, p.Pro36Ser (NM_001165962.2, NM_173717.2); short protein forms P36S.
Identifiers: ClinVar variation 2901090 (VCV002901090.2), dbSNP rs2041838312, ClinGen allele CA398219183.